The following is an entry in ClinVar:

NM_000368.5(TSC1):c.1059_1060insTAC (p.Cys353_Gly354insTyr)

Gene: TSC1 (TSC complex subunit 1; minus strand). Cytogenetic location: 9q34.13.
Variant type: Insertion.
Coding change: c.1059_1060insTAC on transcript NM_000368.5 (MANE Select); coding-DNA positions 1059 to 1060, TAC inserted.
Protein change: p.Cys353_Gly354insTyr.
Molecular consequence: inframe insertion.
Genome position: GRCh38 VCF-style: chr9-132911083-C-CGTA. GRCh37 (hg19) VCF-style: chr9-135786470-C-CGTA.
Other names: c.1059_1060insTAC, p.Cys353_Gly354insTyr (NM_001162426.2); c.906_907insTAC, p.Cys302_Gly303insTyr (NM_001162427.2); c.696_697insTAC, p.Cys232_Gly233insTyr (NM_001362177.2).
Identifiers: ClinVar variation 1313934 (VCV001313934.5), dbSNP rs2131962787, ClinGen allele CA2573053125.

ClinVar aggregate classification (germline): Uncertain significance. Review status: criteria provided, multiple submitters, no conflicts (2 of 4 stars). 2 submissions from 2 submitters: Uncertain significance (2). Last evaluated 2025-11-18.

Conditions:
Hereditary cancer-predisposing syndrome. Also called: Hereditary neoplastic syndrome; Neoplastic Syndromes, Hereditary; Tumor predisposition; Hereditary Cancer Syndrome. Identifiers: Orphanet 140162, MedGen C0027672, MeSH D009386, MONDO:0015356.

Submissions (2):

Ambry Genetics
Classification: Uncertain significance for Hereditary cancer-predisposing syndrome. Last evaluated: 2025-11-18. Review status: criteria provided, single submitter. Criteria: Ambry Variant Classification Scheme 2023. Collection method: clinical testing. Allele origin: germline.
Comment: The c.1059_1060insTAC variant (also known as p.C353_G354insY), located in coding exon 9 of the TSC1 gene, results from an in-frame TAC insertion at nucleotide positions 1059 to 1060. This results in the insertion of an extra tyrosine residue between codons 353 and 354. This amino acid region is highly conserved in available vertebrate species. In addition, the in silico prediction for this variant is inconclusive (Choi Y et al. PLoS ONE. 2012; 7(10):e46688). Based on the available evidence, the clinical significance of this variant remains unclear.

GeneDx
Classification: Uncertain significance. Last evaluated: 2021-01-08. Review status: criteria provided, single submitter. Criteria: GeneDx Variant Classification Process June 2021. Collection method: clinical testing. Allele origin: germline. Affected: yes.
Comment: Not observed in large population cohorts (Lek 2016); In-frame insertion of 1 amino acid in a non-repeat region; Has not been previously published as pathogenic or benign to our knowledge; In silico analysis suggests this variant may impact gene splicing. In the absence of RNA/functional studies, the actual effect of this sequence change is unknown.